The following is an entry in ClinVar:

NM_001206927.2(DNAH8):c.14023C>G (p.Arg4675Gly)

Gene: DNAH8 (dynein axonemal heavy chain 8; plus strand). Cytogenetic location: 6p21.2.
Variant type: single nucleotide variant.
Coding change: c.14023C>G on transcript NM_001206927.2 (MANE Select); coding-DNA position 14023, C replaced by G.
Protein change: p.Arg4675Gly; replaces arginine 4675 with glycine.
Molecular consequence: missense variant.
Genome position (GRCh38, 1-based): chr6:39,030,291, C>G. VCF-style: chr6-39030291-C-G. GRCh37 (hg19) VCF-style: chr6-38998067-C-G.
Other names: c.14023C>G (NM_001206927.1); c.13372C>G, p.Arg4458Gly (NM_001371.4); short protein forms R4458G, R4675G.
Identifiers: ClinVar variation 2858669 (VCV002858669.5), dbSNP rs369355205, ClinGen allele CA3791844.

ClinVar aggregate classification (germline): Uncertain significance. Review status: criteria provided, multiple submitters, no conflicts (2 of 4 stars). 3 submissions from 3 submitters: Uncertain significance (3). Last evaluated 2025-08-17.

Conditions:
Primary ciliary dyskinesia. Also called: Ciliary dyskinesia. Identifiers: Orphanet 244, MedGen C0008780, MONDO:0016575, HP:0012265.

Allele frequency attached by ClinVar (database versions not stated): ExAC 0.00001; ESP Exome Variant Server 0.00008.
gnomAD v4.1: 10 of 1,613,958 alleles (0.00062%); highest among the groups gnomAD compares: Middle Eastern, 0.066%; 1 homozygote.

Submissions (3):

Labcorp Genetics (formerly Invitae), Labcorp
Classification: Uncertain significance for Primary ciliary dyskinesia. Last evaluated: 2025-08-17. Review status: criteria provided, single submitter. Criteria: Invitae Variant Classification Sherloc (09022015). Collection method: clinical testing. Allele origin: germline.
Comment: This sequence change replaces arginine, which is basic and polar, with glycine, which is neutral and non-polar, at codon 4675 of the DNAH8 protein (p.Arg4675Gly). This variant is present in population databases (rs369355205, gnomAD 0.002%). This variant has not been reported in the literature in individuals affected with DNAH8-related conditions. ClinVar contains an entry for this variant (Variation ID: 2858669). Invitae Evidence Modeling of protein sequence and biophysical properties (such as structural, functional, and spatial information, amino acid conservation, physicochemical variation, residue mobility, and thermodynamic stability) indicates that this missense variant is expected to disrupt DNAH8 protein function with a positive predictive value of 80%. In summary, the available evidence is currently insufficient to determine the role of this variant in disease. Therefore, it has been classified as a Variant of Uncertain Significance.

Ambry Genetics
Classification: Uncertain significance. Last evaluated: 2024-12-31. Review status: criteria provided, single submitter. Criteria: Ambry Variant Classification Scheme 2023. Collection method: clinical testing. Allele origin: germline.

Blueprint Genetics
Classification: Uncertain significance. Last evaluated: 2023-10-10. Review status: criteria provided, single submitter. Criteria: ACMG Guidelines, 2015. Collection method: clinical testing. Allele origin: germline.